The following is an entry in ClinVar:

ClinVar aggregate classification (germline): Uncertain significance (1 of 4 stars; one submission).

Conditions:
Cardiovascular phenotype. Identifiers: MedGen CN230736.

Allele frequency attached by ClinVar (database versions not stated): ExAC 0.00003.

Submission:

Ambry Genetics
Classification: Uncertain significance for Cardiovascular phenotype. Last evaluated: 2022-09-26. Review status: criteria provided, single submitter. Criteria: Ambry Variant Classification Scheme 2023. Collection method: clinical testing. Allele origin: germline.
Comment: The p.T609P variant (also known as c.1825A>C), located in coding exon 15 of the ACTN2 gene, results from an A to C substitution at nucleotide position 1825. The threonine at codon 609 is replaced by proline, an amino acid with highly similar properties. This amino acid position is conserved. In addition, this alteration is predicted to be tolerated by in silico analysis. Since supporting evidence is limited at this time, the clinical significance of this alteration remains unclear.

NM_001103.4(ACTN2):c.1825A>C (p.Thr609Pro)

Gene: ACTN2 (actinin alpha 2; plus strand). Cytogenetic location: 1q43.
Variant type: single nucleotide variant.
Coding change: c.1825A>C on transcript NM_001103.4 (MANE Select); coding-DNA position 1825, A replaced by C.
Protein change: p.Thr609Pro; replaces threonine 609 with proline.
Molecular consequence: missense variant.
Genome position (GRCh38, 1-based): chr1:236,751,638, A>C. VCF-style: chr1-236751638-A-C. GRCh37 (hg19) VCF-style: chr1-236914938-A-C.
Other names: c.1825A>C, p.Thr609Pro (NM_001278343.2); c.1201A>C, p.Thr401Pro (NM_001278344.2); c.1075A>C, p.Thr359Pro (NM_001412150.1); short protein forms T401P, T359P, T609P.
Identifiers: ClinVar variation 1780827 (VCV001780827.2), dbSNP rs756354865, ClinGen allele CA1473260.